The following is an entry in ClinVar:

NM_021076.4(NEFH):c.311T>A (p.Leu104Gln)

Gene: NEFH (neurofilament heavy chain; plus strand). Cytogenetic location: 22q12.2.
Variant type: single nucleotide variant.
Coding change: c.311T>A on transcript NM_021076.4 (MANE Select); coding-DNA position 311, T replaced by A.
Protein change: p.Leu104Gln; replaces leucine 104 with glutamine.
Molecular consequence: missense variant.
Genome position (GRCh38, 1-based): chr22:29,480,573, T>A. VCF-style: chr22-29480573-T-A. GRCh37 (hg19) VCF-style: chr22-29876562-T-A.
Other names: short protein forms L104Q.
Identifiers: ClinVar variation 2120091 (VCV002120091.4), dbSNP rs2517968506, ClinGen allele CA411122555.

ClinVar aggregate classification (germline): Uncertain significance (1 of 4 stars; one submission).

Submission:

Labcorp Genetics (formerly Invitae), Labcorp
Classification: Uncertain significance. Last evaluated: 2022-06-28. Review status: criteria provided, single submitter. Criteria: Invitae Variant Classification Sherloc (09022015). Collection method: clinical testing. Allele origin: germline.
Comment: This variant is not present in population databases (gnomAD no frequency). This sequence change replaces leucine, which is neutral and non-polar, with glutamine, which is neutral and polar, at codon 104 of the NEFH protein (p.Leu104Gln). In summary, the available evidence is currently insufficient to determine the role of this variant in disease. Therefore, it has been classified as a Variant of Uncertain Significance. Advanced modeling of protein sequence and biophysical properties (such as structural, functional, and spatial information, amino acid conservation, physicochemical variation, residue mobility, and thermodynamic stability) performed at Invitae indicates that this missense variant is expected to disrupt NEFH protein function. This variant has not been reported in the literature in individuals affected with NEFH-related conditions.